The following is an entry in ClinVar:

NM_004370.6(COL12A1):c.2694A>T (p.Glu898Asp)

Gene: COL12A1 (collagen type XII alpha 1 chain; minus strand). Cytogenetic location: 6q13.
Variant type: single nucleotide variant.
Coding change: c.2694A>T on transcript NM_004370.6 (MANE Select); coding-DNA position 2694, A replaced by T.
Protein change: p.Glu898Asp; replaces glutamic acid 898 with aspartic acid.
Molecular consequence: missense variant. On other transcripts: intron variant (1).
Genome position (GRCh38, 1-based): chr6:75,175,054, T>A on the plus strand (A>T on the coding strand, the complement: COL12A1 is on the minus strand). VCF-style: chr6-75175054-T-A. GRCh37 (hg19) VCF-style: chr6-75884770-T-A.
Other names: c.74-22572A>T (NM_080645.3); short protein forms E898D.
Identifiers: ClinVar variation 836200 (VCV000836200.10), dbSNP rs1768851120, ClinGen allele CA364761117.
Genomic context (GRCh38, chr6:75,175,054, plus strand): 5'-CACAAACAAGTTCCTGGATTTTCAGAAAATATGATGGTAATTACCTTCAAGTGTTGTTCC[T>A]TCACCAAAGAGGGCGTCTCCAGCCCCAGACGCATACAAGGCTGTCACAGATAAGGCGTAT-3'
Protein context (NP_004361.3, residues 888-908): ASGAGDALFG[Glu898Asp]GTTLEERGSP

ClinVar aggregate classification (germline): Uncertain significance (1 of 4 stars; one submission).

Conditions:
Ullrich congenital muscular dystrophy 2 (UCMD2). Identifiers: Orphanet 75840, MedGen C4225314, MONDO:0014654, OMIM 616470.
Bethlem myopathy 2 (BTHLM2). Identifiers: Orphanet 536516, Orphanet 610, MedGen C4225313, MONDO:0034022, OMIM 616471.

Submission:

Labcorp Genetics (formerly Invitae), Labcorp
Classification: Uncertain significance for Bethlem myopathy 2; Ullrich congenital muscular dystrophy 2. Last evaluated: 2019-01-26. Review status: criteria provided, single submitter. Criteria: Invitae Variant Classification Sherloc (09022015). Collection method: clinical testing. Allele origin: germline.
Comment: This sequence change replaces glutamic acid with aspartic acid at codon 898 of the COL12A1 protein (p.Glu898Asp). The glutamic acid residue is moderately conserved and there is a small physicochemical difference between glutamic acid and aspartic acid. This variant is not present in population databases (ExAC no frequency). In summary, the available evidence is currently insufficient to determine the role of this variant in disease. Therefore, it has been classified as a Variant of Uncertain Significance. Algorithms developed to predict the effect of missense changes on protein structure and function (SIFT, PolyPhen-2, Align-GVGD) all suggest that this variant is likely to be tolerated, but these predictions have not been confirmed by published functional studies and their clinical significance is uncertain. This variant has not been reported in the literature in individuals with COL12A1-related conditions.